The following is an entry in ClinVar:

ClinVar aggregate classification (germline): Pathogenic. Review status: criteria provided, multiple submitters, no conflicts (2 of 4 stars). 2 submissions from 2 submitters: Pathogenic (2). Last evaluated 2024-01-19.

Conditions:
Alstrom syndrome (ALMS). Identifiers: Orphanet 64, MedGen C0268425, MONDO:0008763, OMIM 203800.
ALMS1-related disorder. Also called: ALMS1-related condition.

Allele frequency attached by ClinVar (database versions not stated): gnomAD exomes below 0.00001.
gnomAD v4.1: 1 of 1,614,090 alleles (0.000062%); highest among the groups gnomAD compares: Non-Finnish European, 0.000085%; no homozygotes.

Submissions (2):

Blueprint Genetics
Classification: Pathogenic for ALMS1-related disorders. Last evaluated: 2024-01-19. Review status: criteria provided, single submitter. Criteria: ACMG Guidelines, 2015. Collection method: clinical testing. Allele origin: germline. Affected: yes. Observed: 1 variant allele.

Labcorp Genetics (formerly Invitae), Labcorp
Classification: Pathogenic for Alstrom syndrome. Last evaluated: 2022-08-31. Review status: criteria provided, single submitter. Criteria: Invitae Variant Classification Sherloc (09022015). Collection method: clinical testing. Allele origin: germline.
Comment: This premature translational stop signal has been observed in individual(s) with autosomal recessive retinal dystrophy (PMID: 30054919). This sequence change creates a premature translational stop signal (p.Gln2022*) in the ALMS1 gene. It is expected to result in an absent or disrupted protein product. Loss-of-function variants in ALMS1 are known to be pathogenic (PMID: 17594715). This variant is not present in population databases (gnomAD no frequency). For these reasons, this variant has been classified as Pathogenic.

Literature cited by the submitters: PubMed 30054919 (cited by Labcorp Genetics (formerly Invitae), Labcorp); PubMed 17594715 (cited by Labcorp Genetics (formerly Invitae), Labcorp).

NM_001378454.1(ALMS1):c.6061C>T (p.Gln2021Ter)

Gene: ALMS1 (ALMS1 centrosome and basal body associated protein; plus strand). Cytogenetic location: 2p13.1.
Variant type: single nucleotide variant.
Coding change: c.6061C>T on transcript NM_001378454.1 (MANE Select); coding-DNA position 6061, C replaced by T.
Protein change: p.Gln2021Ter; replaces glutamine 2021 with a stop codon.
Molecular consequence: nonsense.
Genome position (GRCh38, 1-based): chr2:73,452,588, C>T. VCF-style: chr2-73452588-C-T. GRCh37 (hg19) VCF-style: chr2-73679715-C-T.
Other names: c.6064C>T, p.Gln2022Ter (NM_015120.4); short protein forms Q2021*, Q2022*.
Identifiers: ClinVar variation 2159346 (VCV002159346.5), dbSNP rs2466107635, ClinGen allele CA347284671.